The following is an entry in ClinVar:

ClinVar aggregate classification (germline): Likely pathogenic (1 of 4 stars; one submission).

Conditions:
3M syndrome 1. Also called: 3-M Syndrome, CUL7-Related. Identifiers: Orphanet 2616, MedGen C2678312, MONDO:0010117, OMIM 273750.

Submission:

Neuberg Centre For Genomic Medicine, NCGM
Classification: Likely pathogenic for 3M syndrome 1. Review status: criteria provided, single submitter. Criteria: ACMG Guidelines, 2015. Collection method: clinical testing. Allele origin: germline. Inheritance: Autosomal recessive inheritance. Affected: yes.
Comment: The frameshift deletion p.P613Hfs*26 in CUL7 (NM_014780.5) has not been reported previously as a pathogenic variant nor as a benign variant, to our knowledge. The p.P613Hfs*26 variant is novel (not in any individuals) in gnomAD Exomes and is novel (not in any individuals) in 1000 Genomes. This variant is predicted to cause loss of normal protein function through protein truncation. Loss of function variants have been previously reported to be disease causing. For these reasons, this variant has been classified as Likely Pathogenic.

NM_014780.5(CUL7):c.1838del (p.Pro613fs)

Gene: CUL7 (cullin 7; minus strand). Cytogenetic location: 6p21.1.
Variant type: Deletion.
Coding change: c.1838del on transcript NM_014780.5 (MANE Select); coding-DNA position 1838, one base deleted (C; older notation c.1838delC).
Protein change: p.Pro613fs; shifts the reading frame from proline 613.
Molecular consequence: frameshift variant.
Genome position (GRCh38, 1-based): chr6:43,048,557, G deleted on the plus strand (C on the coding strand, the reverse complement: CUL7 is on the minus strand); the first of 5 consecutive G bases (chr6:43,048,557-43,048,561); deleting any one gives the same sequence. VCF-style (leftmost placement, unchanged base first): chr6-43048556-TG-T. GRCh37 (hg19) VCF-style: chr6-43016294-TG-T.
Other names: c.1934del, p.Pro645fs (NM_001168370.2, NM_001374872.1); c.1838del, p.Pro613fs (NM_001374873.1, NM_001374874.1); short protein forms P613fs, P645fs.
Identifiers: ClinVar variation 2627397 (VCV002627397.1), dbSNP rs2532699127, ClinGen allele CA2582341699.
Genomic context (GRCh38, chr6:43,048,556, plus strand): 5'-TTTCCCAGCTGGACCATAACCCTCCACCAGACGCTGCAGGGGAGTGTTGGGACTCTGAGA[TG>T]GGGGTTCTTTTGCTACAGGAAGGGGACAGTCACAGGAGTTGGCCATTGTTAGTAATGTGA-3'